The following is an entry in ClinVar:

ClinVar aggregate classification (germline): Pathogenic/Likely pathogenic. Review status: criteria provided, multiple submitters, no conflicts (2 of 4 stars). 2 submissions from 2 submitters: Pathogenic (1); Likely pathogenic (1). Last evaluated 2025-12-11.

Conditions:
Hereditary cancer-predisposing syndrome. Also called: Hereditary neoplastic syndrome; Tumor predisposition; Neoplastic Syndromes, Hereditary; Hereditary Cancer Syndrome. Identifiers: Orphanet 140162, MedGen C0027672, MeSH D009386, MONDO:0015356.
Cardiovascular phenotype. Identifiers: MedGen CN230736.
Neurofibromatosis, type 1 (NF1). Also called: Peripheral type neurofibromatosis; VON RECKLINGHAUSEN DISEASE; NEUROFIBROMATOSIS, TYPE I, SOMATIC; Neurofibromatosis, type I. Identifiers: Orphanet 636, MedGen C0027831, MONDO:0018975, OMIM 162200. Disease mechanism: loss of function.

Submissions (2):

Ambry Genetics
Classification: Pathogenic for Cardiovascular phenotype; Hereditary cancer-predisposing syndrome. Last evaluated: 2025-12-11. Review status: criteria provided, single submitter. Criteria: Ambry Variant Classification Scheme 2023. Collection method: clinical testing. Allele origin: germline.
Comment: The c.5750-177A>C intronic variant results from an A to C substitution 177 nucleotides upstream from coding exon 39 in the NF1 gene. This variant was reported in individual(s) with features consistent with neurofibromatosis type 1; in at least one individual, it was determined to be de novo (Melloni G et al. Cancers (Basel), 2019 Nov;11; Koczkowska M et al. Hum Genet, 2023 Jul;142:849-861; Ambry internal data). RNA studies have demonstrated that this alteration results in exonization of deep intronic sequences (Melloni G et al. Cancers (Basel), 2019 Nov;11; Koczkowska M et al. Hum Genet, 2023 Jul;142:849-861; Ambry internal data). This nucleotide position is highly conserved in available vertebrate species. In silico splice site analysis predicts that this alteration will result in the creation or strengthening of a novel splice acceptor site. This variant is considered to be rare based on population cohorts in the Genome Aggregation Database (gnomAD). Based on the supporting evidence, this variant is interpreted as a disease-causing mutation.

Institute of Medical Genetics and Applied Genomics, University Hospital Tübingen
Classification: Likely pathogenic for Neurofibromatosis, type 1. Last evaluated: 2023-02-02. Review status: criteria provided, single submitter. Criteria: ACMG Guidelines, 2015. Collection method: clinical testing. Allele origin: germline. Inheritance: Autosomal dominant inheritance. Affected: yes.

Literature cited by the submitters: PubMed 31766501 (cited by Ambry Genetics); PubMed 37186028 (cited by Ambry Genetics).

NM_001042492.3(NF1):c.5813-177A>C

Gene: NF1 (neurofibromin 1; plus strand). Cytogenetic location: 17q11.2.
Variant type: single nucleotide variant.
Coding change: c.5813-177A>C on transcript NM_001042492.3 (MANE Select); 177 bases into the intron before coding-DNA position 5813, A replaced by C.
Molecular consequence: intron variant.
Genome position (GRCh38, 1-based): chr17:31,334,661, A>C. VCF-style: chr17-31334661-A-C. GRCh37 (hg19) VCF-style: chr17-29661679-A-C.
Other names: c.5750-177A>C (NM_000267.4, NM_000267.3).
Identifiers: ClinVar variation 2413163 (VCV002413163.5), dbSNP rs2069594174, ClinGen allele CA2580092936.